The following is an entry in ClinVar:

ClinVar aggregate classification (germline): Likely benign. Review status: reviewed by expert panel (3 of 4 stars). 2 submissions from 2 submitters: Likely benign (1). 1 of the submissions does not count toward it. Last evaluated 2024-11-04.

Conditions:
Hereditary thrombocytopenia and hematologic cancer predisposition syndrome. Identifiers: Orphanet 71290, MedGen CN281654, MONDO:0011071.
Hereditary thrombocytopenia and hematological cancer predisposition syndrome associated with RUNX1. Also called: RUNX1 Familial Platelet Disorder with Associated Myeloid Malignancies; Familial Platelet Disorder with Propensity to Acute Myelogenous Leukemia; Familial thrombocytopenia with propensity to acute myelogenous leukemia; PLATELET DISORDER, ASPIRIN-LIKE. Identifiers: Orphanet 71290, MedGen C1832388, MeSH C563324, MONDO:0100083, OMIM 601399.

Submissions (2):

ClinGen Myeloid Malignancy Variant Curation Expert Panel
Classification: Likely benign for Hereditary thrombocytopenia and hematologic cancer predisposition syndrome. Last evaluated: 2024-11-04. Review status: reviewed by expert panel. Criteria: ClinGen MyeloMalig ACMG Specifications v2. Collection method: curation. Allele origin: germline. Inheritance: Autosomal dominant inheritance.
Comment: NM_001754.5(RUNX1):c.509-10del is an intronic variant which is not detected in any population databases, allowing for the application of PM2_supporting. This variant has a SpliceAI score of 0.01 and a PhyloP score of 0.48, allowing for the application of both BP4 and BP7. In summary, this variant meets criteria to be classified as likely benign. ACMG/AMP criteria applied, as specified by the Myeloid Malignancy Variant Curation Expert Panel for RUNX1: BP4, BP7, PM2_supporting.

Labcorp Genetics (formerly Invitae), Labcorp
Classification: Likely benign for Hereditary thrombocytopenia and hematological cancer predisposition syndrome associated with RUNX1. Last evaluated: 2022-05-08. Review status: criteria provided, single submitter. Criteria: Invitae Variant Classification Sherloc (09022015). Collection method: clinical testing. Allele origin: germline. Not counted in ClinVar's aggregate classification.

NM_001754.5(RUNX1):c.509-10del

Genes: RUNX1 (RUNX family transcription factor 1; minus strand), RUNX1-AS1 (RUNX1 antisense RNA 1; plus strand). Cytogenetic location: 21q22.12.
Variant type: Deletion.
Coding change: c.509-10del on transcript NM_001754.5 (MANE Select); 10 bases into the intron before coding-DNA position 509, one base deleted (G; older notation c.509-10delG).
Molecular consequence: intron variant.
Genome position (GRCh38, 1-based): chr21:34,859,588, C deleted on the plus strand (G on the coding strand, the reverse complement: RUNX1 is on the minus strand). VCF-style (leftmost placement, unchanged base first): chr21-34859587-AC-A. GRCh37 (hg19) VCF-style: chr21-36231884-AC-A.
Other names: c.428-10del (NM_001001890.3, NM_001122607.2).
Identifiers: ClinVar variation 1947967 (VCV001947967.6), dbSNP rs2517275192, ClinGen allele CA2580098643.
Genomic context (GRCh38, chr21:34,859,587, plus strand): 5'-GCGACTTGCGGTGGGTTTGTGAAGACAGTGATGGTCAGAGTGAAGCTTTTCCCTGTGGGG[AC>A]ACGATAGAGAACAAAACAGAATGAGGTTGGTGGCCTGAACATATCTGTTGAATAACCAAT-3'